The following is an entry in ClinVar:

ClinVar aggregate classification (germline): Pathogenic (1 of 4 stars; one submission).

Submission:

Labcorp Genetics (formerly Invitae), Labcorp
Classification: Pathogenic. Last evaluated: 2022-07-22. Review status: criteria provided, single submitter. Criteria: Invitae Variant Classification Sherloc (09022015). Collection method: clinical testing. Allele origin: germline.
Comment: This variant, c.177_194del, results in the deletion of 6 amino acid(s) of the TPP1 protein (p.Arg60_Val65del), but otherwise preserves the integrity of the reading frame. For these reasons, this variant has been classified as Pathogenic. This variant disrupts a region of the TPP1 protein in which other variant(s) (p.Leu61Arg) have been determined to be pathogenic (Invitae). This suggests that this is a clinically significant region of the protein, and that variants that disrupt it are likely to be disease-causing. ClinVar contains an entry for this variant (Variation ID: 1416739). This variant has not been reported in the literature in individuals affected with TPP1-related conditions. This variant is not present in population databases (gnomAD no frequency).

NM_000391.4(TPP1):c.177_194del (p.Arg60_Val65del)

Gene: TPP1 (tripeptidyl peptidase 1; minus strand). Cytogenetic location: 11p15.4.
Variant type: Deletion.
Coding change: c.177_194del on transcript NM_000391.4 (MANE Select); coding-DNA positions 177 to 194, 18 bases deleted (AAGACTCTCGGAGCTGGT).
Protein change: p.Arg60_Val65del.
Molecular consequence: inframe deletion.
Genome position (GRCh38, 1-based): chr11:6,618,811-6,618,828, ACCAGCTCCGAGAGTCTT deleted on the plus strand (AAGACTCTCGGAGCTGGT on the coding strand, the reverse complement: TPP1 is on the minus strand). VCF-style (leftmost placement, unchanged base first): chr11-6618810-CACCAGCTCCGAGAGTCTT-C. GRCh37 (hg19) VCF-style: chr11-6640041-CACCAGCTCCGAGAGTCTT-C.
Identifiers: ClinVar variation 1416739 (VCV001416739.6), dbSNP rs2134597918, ClinGen allele CA2573147196.